The following is an entry in ClinVar:

NM_000393.5(COL5A2):c.1475G>A (p.Gly492Asp)

Gene: COL5A2 (collagen type V alpha 2 chain; minus strand). Cytogenetic location: 2q32.2.
Variant type: single nucleotide variant.
Coding change: c.1475G>A on transcript NM_000393.5 (MANE Select); coding-DNA position 1475, G replaced by A.
Protein change: p.Gly492Asp; replaces glycine 492 with aspartic acid.
Molecular consequence: missense variant.
Genome position (GRCh38, 1-based): chr2:189,066,478, C>T on the plus strand (G>A on the coding strand, the complement: COL5A2 is on the minus strand). VCF-style: chr2-189066478-C-T. GRCh37 (hg19) VCF-style: chr2-189931204-C-T.
Other names: short protein forms G492D.
Identifiers: ClinVar variation 1308482 (VCV001308482.2), dbSNP rs2105599619, ClinGen allele CA349851494.

ClinVar aggregate classification (germline): Uncertain significance (1 of 4 stars; one submission).

Submission:

GeneDx
Classification: Uncertain significance. Last evaluated: 2020-03-02. Review status: criteria provided, single submitter. Criteria: GeneDx Variant Classification Process June 2021. Collection method: clinical testing. Allele origin: germline. Affected: yes.
Comment: Has not been previously published as pathogenic or benign to our knowledge; In silico analysis supports that this missense variant has a deleterious effect on protein structure/function; Not observed in large population cohorts (Lek et al., 2016)